The following is an entry in ClinVar:

NM_001985.3(ETFB):c.582G>A (p.Thr194=)

Gene: ETFB (electron transfer flavoprotein subunit beta; minus strand). Cytogenetic location: 19q13.41.
Variant type: single nucleotide variant.
Coding change: c.582G>A on transcript NM_001985.3 (MANE Select); coding-DNA position 582, G replaced by A.
Protein change: p.Thr194=; no amino-acid change (threonine 194 retained).
Molecular consequence: synonymous variant.
Genome position (GRCh38, 1-based): chr19:51,346,915, C>T on the plus strand (G>A on the coding strand, the complement: ETFB is on the minus strand). VCF-style: chr19-51346915-C-T. GRCh37 (hg19) VCF-style: chr19-51850169-C-T.
Other names: c.855G>A, p.Thr285= (NM_001014763.1).
Identifiers: ClinVar variation 511281 (VCV000511281.10), dbSNP rs376679757, ClinGen allele CA9610715.

ClinVar aggregate classification (germline): Likely benign. Review status: criteria provided, multiple submitters, no conflicts (2 of 4 stars). 3 submissions from 3 submitters: Likely benign (3). Last evaluated 2024-01-22.

Conditions:
Multiple acyl-CoA dehydrogenase deficiency (MADD). Also called: Glutaric aciduria, type 2; ETHYLMALONIC-ADIPICACIDURIA; GA II; Glutaric acidemia type II; GA 2; Glutaric Acidemia type 2. Identifiers: Orphanet 26791, MedGen C0268596, MONDO:0009282, OMIM 231680.

Allele frequency attached by ClinVar (database versions not stated): gnomAD exomes 0.00002; ExAC 0.00005; gnomAD 0.00005; TOPMed 0.00005; ESP Exome Variant Server 0.00008.
gnomAD v4.1: 28 of 1,556,064 alleles (0.0018%); highest among the groups gnomAD compares: Middle Eastern, 0.017%; no homozygotes.

Submissions (3):

Blueprint Genetics
Classification: Likely benign. Last evaluated: 2024-01-22. Review status: criteria provided, single submitter. Criteria: ACMG Guidelines, 2015. Collection method: clinical testing. Allele origin: germline.

Labcorp Genetics (formerly Invitae), Labcorp
Classification: Likely benign for Multiple acyl-CoA dehydrogenase deficiency. Last evaluated: 2023-10-13. Review status: criteria provided, single submitter. Criteria: Invitae Variant Classification Sherloc (09022015). Collection method: clinical testing. Allele origin: germline.

GeneDx
Classification: Likely benign. Last evaluated: 2017-08-14. Review status: criteria provided, single submitter. Criteria: GeneDx Variant Classification (06012015). Collection method: clinical testing. Allele origin: germline. Affected: yes.
Comment: This variant is considered likely benign or benign based on one or more of the following criteria: it is a conservative change, it occurs at a poorly conserved position in the protein, it is predicted to be benign by multiple in silico algorithms, and/or has population frequency not consistent with disease.